The following is an entry in ClinVar:

ClinVar aggregate classification (germline): Uncertain significance (1 of 4 stars; one submission).

gnomAD v4.1: 2 of 1,584,396 alleles (0.00013%); highest among the groups gnomAD compares: Non-Finnish European, 0.00017%; no homozygotes.

Submission:

Ambry Genetics
Classification: Uncertain significance. Last evaluated: 2024-11-27. Review status: criteria provided, single submitter. Criteria: Ambry Variant Classification Scheme 2023. Collection method: clinical testing. Allele origin: germline.
Comment: The p.G441D variant (also known as c.1322G>A), located in coding exon 2 of the CDK12 gene, results from a G to A substitution at nucleotide position 1322. The glycine at codon 441 is replaced by aspartic acid, an amino acid with similar properties. This amino acid position is conserved. In addition, this alteration is predicted to be tolerated by in silico analysis. Based on the available evidence, the clinical significance of this variant remains unclear.

NM_016507.4(CDK12):c.1322G>A (p.Gly441Asp)

Gene: CDK12 (cyclin dependent kinase 12; plus strand). Cytogenetic location: 17q12.
Variant type: single nucleotide variant.
Coding change: c.1322G>A on transcript NM_016507.4 (MANE Select); coding-DNA position 1322, G replaced by A.
Protein change: p.Gly441Asp; replaces glycine 441 with aspartic acid.
Molecular consequence: missense variant.
Genome position (GRCh38, 1-based): chr17:39,471,154, G>A. VCF-style: chr17-39471154-G-A. GRCh37 (hg19) VCF-style: chr17-37627407-G-A.
Other names: c.1322G>A, p.Gly441Asp (NM_015083.4); short protein forms G441D.
Identifiers: ClinVar variation 3489306 (VCV003489306.1).